The following is an entry in ClinVar:

NM_005619.5(RTN2):c.1384G>T (p.Ala462Ser)

Genes: OPA3-RTN2 (OPA3-RTN2 readthrough; minus strand), RTN2 (reticulon 2; minus strand). Cytogenetic location: 19q13.32.
Variant type: single nucleotide variant.
Coding change: c.1384G>T on transcript NM_005619.5 (MANE Select); coding-DNA position 1384, G replaced by T.
Protein change: p.Ala462Ser; replaces alanine 462 with serine.
Molecular consequence: missense variant.
Genome position (GRCh38, 1-based): chr19:45,488,703, C>A on the plus strand (G>T on the coding strand, the complement: RTN2 is on the minus strand). VCF-style: chr19-45488703-C-A. GRCh37 (hg19) VCF-style: chr19-45991961-C-A.
Other names: c.1165G>T, p.Ala389Ser (NM_206900.3); c.364G>T, p.Ala122Ser (NM_206901.3); short protein forms A122S, A389S, A462S.
Identifiers: ClinVar variation 3383483 (VCV003383483.1).

ClinVar aggregate classification (germline): Uncertain significance (1 of 4 stars; one submission).

Submission:

GeneDx
Classification: Uncertain significance. Last evaluated: 2024-05-29. Review status: criteria provided, single submitter. Criteria: GeneDx Variant Classification Process June 2021. Collection method: clinical testing. Allele origin: germline. Affected: yes.
Comment: Not observed at significant frequency in large population cohorts (gnomAD); In silico analysis supports that this missense variant has a deleterious effect on protein structure/function; Has not been previously published as pathogenic or benign to our knowledge